The following is an entry in ClinVar:

ClinVar aggregate classification (germline): Likely pathogenic (1 of 4 stars; one submission).

Conditions:
Tubulinopathy. Also called: Tubulinopathies. Identifiers: MedGen CN850169, MONDO:0100153.

Submission:

Illumina Laboratory Services, Illumina
Classification: Likely pathogenic for Tubulinopathy. Last evaluated: 2018-03-29. Review status: criteria provided, single submitter. Criteria: ICSLVariantClassificationCriteria RUGD 01 April 2020. Collection method: clinical testing. Allele origin: unknown.
Comment: The TUBB2B c.416T>C p.(Leu139Pro) missense variant has not, to our knowledge, been reported in the peer-reviewed literature. This variant is not observed in version 2.1.1 of the Genome Aggregation Database. Based on the available evidence, the c.416T>C p.(Leu139Pro) variant is classified as likely pathogenic for TUBB2B-related tubulinopathy.

NM_178012.5(TUBB2B):c.416T>C (p.Leu139Pro)

Gene: TUBB2B (tubulin beta 2B class IIb; minus strand). Cytogenetic location: 6p25.2.
Variant type: single nucleotide variant.
Coding change: c.416T>C on transcript NM_178012.5 (MANE Select); coding-DNA position 416, T replaced by C.
Protein change: p.Leu139Pro; replaces leucine 139 with proline.
Molecular consequence: missense variant.
Genome position (GRCh38, 1-based): chr6:3,225,673, A>G on the plus strand (T>C on the coding strand, the complement: TUBB2B is on the minus strand). VCF-style: chr6-3225673-A-G. GRCh37 (hg19) VCF-style: chr6-3225907-A-G.
Other names: short protein forms L139P.
Identifiers: ClinVar variation 3062041 (VCV003062041.1), dbSNP rs2533617634, ClinGen allele CA362588806.
Genomic context (GRCh38, chr6:3,225,673, plus strand): 5'-TACTCTTCCCGGATCTTGCTGATGAGCAGGGTGCCCATCCCGGACCCCGTGCCGCCCCCC[A>G]GAGAGTGGGTCAGCTGGAAGCCCTGGAGACAGTCACAGCTCTCTGACTCCTTCCTCACCA-3'
Protein context (NP_821080.1, residues 129-149): CLQGFQLTHS[Leu139Pro]GGGTGSGMGT